The following is an entry in ClinVar:

ClinVar aggregate classification (germline): Uncertain significance. Review status: criteria provided, multiple submitters, no conflicts (2 of 4 stars). 4 submissions from 4 submitters: Uncertain significance (4). Last evaluated 2025-07-10.

Conditions:
Gastrointestinal stromal tumor. Also called: Gastrointestinal stroma tumor; Gastrointestinal stromal tumor, somatic. Identifiers: Orphanet 44890, MedGen C0238198, MeSH D046152, MONDO:0011719, OMIM 606764, HP:0100723.
Pheochromocytoma. Also called: MAX-Related Hereditary Paraganglioma-Pheochromocytoma Syndrome. Identifiers: Orphanet 29072, MedGen C0031511, MONDO:0008233, OMIM 171300, HP:0002666.
Pheochromocytoma/paraganglioma syndrome 4. Also called: PARAGANGLIOMA, FAMILIAL MALIGNANT; PARAGANGLIOMAS, HEREDITARY EXTRAADRENAL; PHEOCHROMOCYTOMA, FAMILIAL EXTRAADRENAL; SDHB-Related Hereditary Paraganglioma-Pheochromocytoma Syndrome (Paragangliomas 4); SDHB-Related Hereditary Paraganglioma-Pheochromocytoma Syndrome; Paragangliomas 4. Identifiers: Orphanet 29072, MedGen C1861848, MONDO:0007273, OMIM 115310.
Hereditary cancer-predisposing syndrome. Also called: Neoplastic Syndromes, Hereditary; Hereditary Cancer Syndrome; Tumor predisposition; Hereditary neoplastic syndrome. Identifiers: Orphanet 140162, MedGen C0027672, MeSH D009386, MONDO:0015356.

Allele frequency attached by ClinVar (database versions not stated): gnomAD exomes below 0.00001.
gnomAD v4.1: 1 of 1,613,982 alleles (0.000062%); no homozygotes.

Submissions (4):

Ambry Genetics
Classification: Uncertain significance for Hereditary cancer-predisposing syndrome. Last evaluated: 2025-07-10. Review status: criteria provided, single submitter. Criteria: Ambry Variant Classification Scheme 2023. Collection method: clinical testing. Allele origin: germline.
Comment: The p.Y241C variant (also known as c.722A>G), located in coding exon 7 of the SDHB gene, results from an A to G substitution at nucleotide position 722. The tyrosine at codon 241 is replaced by cysteine, an amino acid with highly dissimilar properties. This amino acid position is highly conserved in available vertebrate species. In addition, this alteration is predicted to be deleterious by in silico analysis. Based on the available evidence, the clinical significance of this variant remains unclear.

Blueprint Genetics
Classification: Uncertain significance. Last evaluated: 2020-09-23. Review status: criteria provided, single submitter. Criteria: ACMG Guidelines, 2015. Collection method: clinical testing. Allele origin: germline.

Laboratory for Molecular Medicine, Mass General Brigham Personalized Medicine
Classification: Uncertain significance. Last evaluated: 2019-02-15. Review status: criteria provided, single submitter. Criteria: LMM Criteria. Collection method: clinical testing. Allele origin: germline. Observed: 1 variant allele.
Comment: The p.Tyr241Cys variant in SDHB has not been previously reported in individuals with SDHB-related tumors and was absent from large population studies. This variant has been reported as a variant of uncertain significance in ClinVar (Variation ID 239441). Computational prediction tools and conservation analysis suggest that this variant may impact the protein, though this information is not predictive enough to determine pathogenicity. In summary, the clinical significance of the p.Tyr241Cys variant is uncertain. ACMG/AMP Criteria applied: PM2, PP3.

Labcorp Genetics (formerly Invitae), Labcorp
Classification: Uncertain significance for Gastrointestinal stromal tumor; Pheochromocytoma/paraganglioma syndrome 4; Pheochromocytoma. Last evaluated: 2016-02-26. Review status: criteria provided, single submitter. Criteria: Invitae Variant Classification Sherloc (09022015). Collection method: clinical testing. Allele origin: germline.
Comment: This sequence change replaces tyrosine with cysteine at codon 241 of the SDHB protein (p.Tyr241Cys). The tyrosine residue is highly conserved and there is a large physicochemical difference between tyrosine and cysteine. This variant is not present in population databases (ExAC no frequency) and has not been reported in the literature in individuals with a SDHB-related disease. Algorithms developed to predict the effect of missense changes on protein structure and function (SIFT, PolyPhen-2, Align-GVGD) all suggest that this variant is likely to be disruptive, but these predictions have not been confirmed by published functional studies. In summary, this variant is a novel missense change with uncertain impact on protein function. It has been classified as a Variant of Uncertain Significance.

NM_003000.3(SDHB):c.722A>G (p.Tyr241Cys)

Gene: SDHB (succinate dehydrogenase complex iron sulfur subunit B; minus strand). Cytogenetic location: 1p36.13.
Variant type: single nucleotide variant.
Coding change: c.722A>G on transcript NM_003000.3 (MANE Select); coding-DNA position 722, A replaced by G.
Protein change: p.Tyr241Cys; replaces tyrosine 241 with cysteine.
Molecular consequence: missense variant.
Genome position (GRCh38, 1-based): chr1:17,022,651, T>C on the plus strand (A>G on the coding strand, the complement: SDHB is on the minus strand). VCF-style: chr1-17022651-T-C. GRCh37 (hg19) VCF-style: chr1-17349146-T-C.
Other names: short protein forms Y241C.
Identifiers: ClinVar variation 239441 (VCV000239441.16), dbSNP rs878854582, ClinGen allele CA10581742.